The following is an entry in ClinVar:

ClinVar aggregate classification (germline): Uncertain significance. Review status: criteria provided, multiple submitters, no conflicts (2 of 4 stars). 2 submissions from 2 submitters: Uncertain significance (2). Last evaluated 2020-09-02.

Conditions:
History of neurodevelopmental disorder. Identifiers: MedGen C2711754.
Renpenning syndrome. Also called: GOLABI-ITO-HALL SYNDROME; Mental retardation, X-linked Renpenning type; X-linked mental retardation with spastic diplegia; X-linked mental retardation syndromic 3; Sutherland-Haan syndrome; MENTAL RETARDATION, X-LINKED 55. Identifiers: Orphanet 3242, MedGen C0796135, MONDO:0010653, OMIM 309500.

Submissions (2):

Baylor Genetics
Classification: Uncertain significance for Renpenning syndrome. Last evaluated: 2020-09-02. Review status: criteria provided, single submitter. Criteria: ACMG Guidelines, 2015. Collection method: clinical testing. Allele origin: unknown. Affected: yes.
Comment: This variant was determined to be of uncertain significance according to ACMG Guidelines, 2015 [PMID:25741868].

Ambry Genetics
Classification: Uncertain significance for History of neurodevelopmental disorder. Last evaluated: 2014-03-04. Review status: criteria provided, single submitter. Criteria: Ambry Autosomal Dominant and X-Linked criteria (10/2015). Collection method: clinical testing. Allele origin: germline. Observed: 1 variant allele.
Comment: Ã¢â‚¬â€¹The p.K262E variant (also known as c.784A>G), is located in coding exon 6 of the PQBP1 gene. This variant results from an A to G substitution at nucleotide position 784. The lysine at codon 262 is replaced by glutamate, an amino acid with similar properties. This variant was not reported in population-based cohorts in the following databases: Database of Single Nucleotide Polymorphisms (dbSNP), NHLBI Exome Sequencing Project (ESP), and 1000 Genomes Project. Based on protein sequence alignment, this amino acid position is well conserved in available vertebrate species. In addition, this alteration is predicted to be benign by PolyPhen and tolerated by SIFT in silico analyses. Since supporting evidence is limited at this time, the clinical significance of this variant remains unclear.

NM_001032382.2(PQBP1):c.784A>G (p.Lys262Glu)

Gene: PQBP1 (polyglutamine binding protein 1; plus strand). Cytogenetic location: Xp11.23.
Variant type: single nucleotide variant.
Coding change: c.784A>G on transcript NM_001032382.2 (MANE Select); coding-DNA position 784, A replaced by G.
Protein change: p.Lys262Glu; replaces lysine 262 with glutamic acid.
Molecular consequence: missense variant.
Genome position (GRCh38, 1-based): chrX:48,903,070, A>G. VCF-style: chrX-48903070-A-G. GRCh37 (hg19) VCF-style: chrX-48760347-A-G.
Other names: c.784A>G, p.Lys262Glu (NM_001032381.2, NM_001032383.2, NM_001032384.1 and 1 more transcripts); c.781A>G, p.Lys261Glu (NM_001167989.2); c.760A>G, p.Lys254Glu (NM_001167990.2); c.484A>G, p.Lys162Glu (NM_001167992.1); c.499A>G, p.Lys167Glu (NM_144495.3); short protein forms K262E, K167E, K254E, K261E, K162E.
Identifiers: ClinVar variation 590224 (VCV000590224.4), dbSNP rs1569510706, ClinGen allele CA412891983.